The following is an entry in ClinVar:

ClinVar aggregate classification (germline): Uncertain significance. Review status: criteria provided, multiple submitters, no conflicts (2 of 4 stars). 2 submissions from 2 submitters: Uncertain significance (2). Last evaluated 2023-10-05.

Allele frequency attached by ClinVar (database versions not stated): ExAC 0.00001; gnomAD 0.00001; TOPMed 0.00001; gnomAD exomes 0.00002.
gnomAD v4.1: 32 of 1,613,848 alleles (0.002%); highest among the groups gnomAD compares: East Asian, 0.02%; no homozygotes.

Submissions (2):

Labcorp Genetics (formerly Invitae), Labcorp
Classification: Uncertain significance. Last evaluated: 2023-10-05. Review status: criteria provided, single submitter. Criteria: Invitae Variant Classification Sherloc (09022015). Collection method: clinical testing. Allele origin: germline.
Comment: This sequence change replaces alanine, which is neutral and non-polar, with threonine, which is neutral and polar, at codon 255 of the COL4A1 protein (p.Ala255Thr). This variant is present in population databases (rs779300770, gnomAD 0.003%). This variant has not been reported in the literature in individuals affected with COL4A1-related conditions. ClinVar contains an entry for this variant (Variation ID: 1706984). Advanced modeling of protein sequence and biophysical properties (such as structural, functional, and spatial information, amino acid conservation, physicochemical variation, residue mobility, and thermodynamic stability) performed at Invitae indicates that this missense variant is not expected to disrupt COL4A1 protein function. In summary, the available evidence is currently insufficient to determine the role of this variant in disease. Therefore, it has been classified as a Variant of Uncertain Significance.

GeneDx
Classification: Uncertain significance. Last evaluated: 2022-03-21. Review status: criteria provided, single submitter. Criteria: GeneDx Variant Classification Process June 2021. Collection method: clinical testing. Allele origin: germline. Affected: yes.
Comment: Has not been previously published as pathogenic or benign to our knowledge; In silico analysis supports that this missense variant does not alter protein structure/function; Occurs in the triple helical domain within an interruption of the canonical Gly-X-Y repeat

NM_001845.6(COL4A1):c.763G>A (p.Ala255Thr)

Gene: COL4A1 (collagen type IV alpha 1 chain; minus strand). Cytogenetic location: 13q34.
Variant type: single nucleotide variant.
Coding change: c.763G>A on transcript NM_001845.6 (MANE Select); coding-DNA position 763, G replaced by A.
Protein change: p.Ala255Thr; replaces alanine 255 with threonine.
Molecular consequence: missense variant.
Genome position (GRCh38, 1-based): chr13:110,207,420, C>T on the plus strand (G>A on the coding strand, the complement: COL4A1 is on the minus strand). VCF-style: chr13-110207420-C-T. GRCh37 (hg19) VCF-style: chr13-110859767-C-T.
Other names: c.763G>A, p.Ala255Thr (NM_001303110.2); short protein forms A255T.
Identifiers: ClinVar variation 1706984 (VCV001706984.4), dbSNP rs779300770, ClinGen allele CA7048337.